The following is an entry in ClinVar:

NM_000138.5(FBN1):c.2167+4A>G

Gene: FBN1 (fibrillin 1; minus strand). Cytogenetic location: 15q21.1.
Variant type: single nucleotide variant.
Coding change: c.2167+4A>G on transcript NM_000138.5 (MANE Select); 4 bases into the intron after coding-DNA position 2167, A replaced by G.
Molecular consequence: intron variant.
Genome position (GRCh38, 1-based): chr15:48,498,981, T>C on the plus strand (A>G on the coding strand, the complement: FBN1 is on the minus strand). VCF-style: chr15-48498981-T-C. GRCh37 (hg19) VCF-style: chr15-48791178-T-C.
Identifiers: ClinVar variation 1506424 (VCV001506424.8), dbSNP rs2141308773, ClinGen allele CA2573150832.

ClinVar aggregate classification (germline): Uncertain significance. Review status: criteria provided, multiple submitters, no conflicts (2 of 4 stars). 2 submissions from 2 submitters: Uncertain significance (2). Last evaluated 2025-01-13.

Conditions:
Marfan syndrome (MFS). Also called: MARFAN SYNDROME, TYPE I; Marfan syndrome type 1; Marfan's syndrome; Marfan syndrome, classic; FBN1-Related Marfan Syndrome. Identifiers: Orphanet 284963, Orphanet 558, MedGen C0024796, MONDO:0007947, OMIM 154700.
Familial thoracic aortic aneurysm and aortic dissection (TAAD). Also called: Thoracic aortic aneurysms and dissections. Identifiers: Orphanet 91387, MedGen C4707243, MONDO:0019625.

Submissions (2):

Dasa
Classification: Uncertain significance. Last evaluated: 2025-01-13. Review status: criteria provided, single submitter. Criteria: DASA Assertion Criteria. Collection method: clinical testing. Allele origin: germline.
Comment: NM_000138.5(FBN1):c.2167+4A>G is a splice-region variant predicted to affect normal RNA splicing. This variant is absent from population databases. Computational prediction algorithms are consistent with a deleterious effect. The currently available literature and clinical evidence are not sufficient to establish a definitive association between this variant and the reported condition. Therefore, this variant is classified as a variant of uncertain significance.

Labcorp Genetics (formerly Invitae), Labcorp
Classification: Uncertain significance for Marfan syndrome; Familial thoracic aortic aneurysm and aortic dissection. Last evaluated: 2021-05-17. Review status: criteria provided, single submitter. Criteria: Invitae Variant Classification Sherloc (09022015). Collection method: clinical testing. Allele origin: germline.
Comment: In summary, the available evidence is currently insufficient to determine the role of this variant in disease. Therefore, it has been classified as a Variant of Uncertain Significance. Nucleotide substitutions within the consensus splice site are a relatively common cause of aberrant splicing (PMID: 17576681, 9536098). Algorithms developed to predict the effect of sequence changes on RNA splicing suggest that this variant may disrupt the consensus splice site, but this prediction has not been confirmed by published transcriptional studies. This variant has not been reported in the literature in individuals with FBN1-related conditions. This variant is not present in population databases (ExAC no frequency). This sequence change falls in intron 18 of the FBN1 gene. It does not directly change the encoded amino acid sequence of the FBN1 protein. It affects a nucleotide within the consensus splice site of the intron.

Literature cited by the submitters: PubMed 17576681 (cited by Labcorp Genetics (formerly Invitae), Labcorp); PubMed 9536098 (cited by Labcorp Genetics (formerly Invitae), Labcorp).